The following is an entry in ClinVar:

ClinVar aggregate classification (germline): Uncertain significance (1 of 4 stars; one submission).

gnomAD v4.1: 1 of 1,614,012 alleles (0.000062%); highest among the groups gnomAD compares: Non-Finnish European, 0.000085%; no homozygotes.

Submission:

Labcorp Genetics (formerly Invitae), Labcorp
Classification: Uncertain significance. Last evaluated: 2023-09-10. Review status: criteria provided, single submitter. Criteria: Invitae Variant Classification Sherloc (09022015). Collection method: clinical testing. Allele origin: germline.
Comment: This sequence change replaces lysine, which is basic and polar, with threonine, which is neutral and polar, at codon 718 of the KAT6A protein (p.Lys718Thr). This variant is not present in population databases (gnomAD no frequency). This variant has not been reported in the literature in individuals affected with KAT6A-related conditions. ClinVar contains an entry for this variant (Variation ID: 1441293). Advanced modeling of protein sequence and biophysical properties (such as structural, functional, and spatial information, amino acid conservation, physicochemical variation, residue mobility, and thermodynamic stability) performed at Invitae indicates that this missense variant is not expected to disrupt KAT6A protein function. In summary, the available evidence is currently insufficient to determine the role of this variant in disease. Therefore, it has been classified as a Variant of Uncertain Significance.

NM_006766.5(KAT6A):c.2153A>C (p.Lys718Thr)

Gene: KAT6A (lysine acetyltransferase 6A; minus strand). Cytogenetic location: 8p11.21.
Variant type: single nucleotide variant.
Coding change: c.2153A>C on transcript NM_006766.5 (MANE Select); coding-DNA position 2153, A replaced by C.
Protein change: p.Lys718Thr; replaces lysine 718 with threonine.
Molecular consequence: missense variant.
Genome position (GRCh38, 1-based): chr8:41,943,823, T>G on the plus strand (A>C on the coding strand, the complement: KAT6A is on the minus strand). VCF-style: chr8-41943823-T-G. GRCh37 (hg19) VCF-style: chr8-41801341-T-G.
Other names: c.2153A>C, p.Lys718Thr (NM_001305878.2); short protein forms K718T.
Identifiers: ClinVar variation 1441293 (VCV001441293.6), dbSNP rs2150863478, ClinGen allele CA371073118.